The following is an entry in ClinVar:

ClinVar aggregate classification (germline): Uncertain significance (1 of 4 stars; one submission).

Conditions:
Cardiovascular phenotype. Identifiers: MedGen CN230736.

Submission:

Ambry Genetics
Classification: Uncertain significance for Cardiovascular phenotype. Last evaluated: 2025-12-16. Review status: criteria provided, single submitter. Criteria: Ambry Variant Classification Scheme 2023. Collection method: clinical testing. Allele origin: germline.
Comment: The p.Q1579R variant (also known as c.4736A>G), located in coding exon 38 of the ANK2 gene, results from an A to G substitution at nucleotide position 4736. The glutamine at codon 1579 is replaced by arginine, an amino acid with highly similar properties. This amino acid position is conserved. In addition, this alteration is predicted to be tolerated by in silico analysis. Based on the available evidence, the clinical significance of this variant remains unclear.

NM_001148.6(ANK2):c.4736A>G (p.Gln1579Arg)

Gene: ANK2 (ankyrin 2; plus strand). Cytogenetic location: 4q26.
Variant type: single nucleotide variant.
Coding change: c.4736A>G on transcript NM_001148.6 (MANE Select); coding-DNA position 4736, A replaced by G.
Protein change: p.Gln1579Arg; replaces glutamine 1579 with arginine.
Molecular consequence: missense variant. On other transcripts: intron variant (68).
Genome position (GRCh38, 1-based): chr4:113,353,354, A>G. VCF-style: chr4-113353354-A-G. GRCh37 (hg19) VCF-style: chr4-114274510-A-G.
Other names: c.4502A>G, p.Gln1501Arg (NM_001386142.1); c.1136A>G, p.Gln379Arg (NM_001386166.1); c.4877A>G, p.Gln1626Arg (NM_001386174.1); c.4853A>G, p.Gln1618Arg (NM_001386175.1); c.4411+3105A>G (NM_001386186.2, NM_001386148.2); c.4213+3105A>G (NM_001354269.3); c.4291+3105A>G (NM_001386187.2); c.4252+3105A>G (NM_001386147.1); and 35 more; short protein forms Q1501R, Q1579R, Q1618R, Q379R, Q1626R.
Identifiers: ClinVar variation 4842639 (VCV004842639.1).